The following is an entry in ClinVar:

ClinVar aggregate classification (germline): Uncertain significance (1 of 4 stars; one submission).

Conditions:
Hereditary cancer-predisposing syndrome. Also called: Neoplastic Syndromes, Hereditary; Tumor predisposition; Hereditary Cancer Syndrome; Hereditary neoplastic syndrome. Identifiers: Orphanet 140162, MedGen C0027672, MeSH D009386, MONDO:0015356.

Submission:

Ambry Genetics
Classification: Uncertain significance for Hereditary cancer-predisposing syndrome. Last evaluated: 2021-03-20. Review status: criteria provided, single submitter. Criteria: Ambry Variant Classification Scheme 2023. Collection method: clinical testing. Allele origin: germline.
Comment: The p.K2653N variant (also known as c.7959A>C), located in coding exon 15 of the APC gene, results from an A to C substitution at nucleotide position 7959. The lysine at codon 2653 is replaced by asparagine, an amino acid with similar properties. This amino acid position is highly conserved in available vertebrate species. In addition, in silico predictors for this gene do not accurately predict pathogenicity. Since supporting evidence is limited at this time, the clinical significance of this alteration remains unclear.

NM_000038.6(APC):c.7959A>C (p.Lys2653Asn)

Gene: APC (APC regulator of Wnt signaling pathway; plus strand). Cytogenetic location: 5q22.2.
Variant type: single nucleotide variant.
Coding change: c.7959A>C on transcript NM_000038.6 (MANE Select); coding-DNA position 7959, A replaced by C.
Protein change: p.Lys2653Asn; replaces lysine 2653 with asparagine.
Molecular consequence: missense variant.
Genome position (GRCh38, 1-based): chr5:112,843,553, A>C. VCF-style: chr5-112843553-A-C. GRCh37 (hg19) VCF-style: chr5-112179250-A-C.
Other names: c.7959A>C, p.Lys2653Asn (NM_001127510.3, NM_001354895.2, NM_001407450.1); c.7905A>C, p.Lys2635Asn (NM_001127511.3); c.8013A>C, p.Lys2671Asn (NM_001354896.2, NM_001407447.1, NM_001407448.1 and 1 more transcripts); c.7989A>C, p.Lys2663Asn (NM_001354897.2); c.7884A>C, p.Lys2628Asn (NM_001354898.2); c.7875A>C, p.Lys2625Asn (NM_001354899.2); c.7836A>C, p.Lys2612Asn (NM_001354900.2); c.7782A>C, p.Lys2594Asn (NM_001354901.2, NM_001407453.1); and 11 more; short protein forms K2493N, K2524N, K2570N, K2612N, K2681N, K2527N, K2552N, K2625N.
Identifiers: ClinVar variation 1761379 (VCV001761379.2), dbSNP rs2149996992, ClinGen allele CA16038614.
Genomic context (GRCh38, chr5:112,843,553, plus strand): 5'-TGCTACAAATGGTGCTGAATCAAAGACTCTAATTTATCAAATGGCACCTGCTGTTTCTAA[A>C]ACAGAGGATGTTTGGGTGAGAATTGAGGACTGTCCCATTAACAATCCTAGATCTGGAAGA-3'
Protein context (NP_000029.2, residues 2643-2663): LIYQMAPAVS[Lys2653Asn]TEDVWVRIED